The following is an entry in ClinVar:

ClinVar aggregate classification (germline): Uncertain significance (1 of 4 stars; one submission).

Conditions:
Multiple endocrine neoplasia, type 1 (MEN1). Also called: Endocrine adenomatosis multiple; MEN 1; MEA I; MEN I; WERMER SYNDROME. Identifiers: Orphanet 652, MedGen C0025267, MeSH D018761, MONDO:0007540, OMIM 131100.

Submission:

Color Diagnostics, LLC DBA Color Health
Classification: Uncertain significance for Multiple endocrine neoplasia, type 1. Last evaluated: 2025-06-30. Review status: criteria provided, single submitter. Criteria: ACMG Guidelines, 2015. Collection method: clinical testing. Allele origin: germline.
Comment: This variant is located in the 5' untranslated region of the MEN1 gene. To our knowledge, functional studies have not been reported for this variant. This variant has not been reported in individuals affected with MEN1-related disorders in the literature. This variant has not been identified in the general population by the Genome Aggregation Database (gnomAD). The available evidence is insufficient to determine the role of this variant in disease conclusively. Therefore, this variant is classified as a Variant of Uncertain Significance.

NM_001370259.2(MEN1):c.-10G>C

Gene: MEN1 (menin 1; minus strand). Cytogenetic location: 11q13.1.
Variant type: single nucleotide variant.
Coding change: c.-10G>C on transcript NM_001370259.2 (MANE Select); 10 bases upstream of the start codon, G replaced by C.
Molecular consequence: 5 prime UTR variant. On other transcripts: non-coding transcript variant (4).
Genome position (GRCh38, 1-based): chr11:64,810,119, C>G on the plus strand (G>C on the coding strand, the complement: MEN1 is on the minus strand). VCF-style: chr11-64810119-C-G. GRCh37 (hg19) VCF-style: chr11-64577591-C-G.
Other names: c.-10G>C (NM_000244.4, NM_001370251.2, NM_001370260.2 and 20 more transcripts).
Identifiers: ClinVar variation 4758598 (VCV004758598.1).